The following is an entry in ClinVar:

ClinVar aggregate classification (germline): Conflicting classifications of pathogenicity. Review status: criteria provided, conflicting classifications (1 of 4 stars). 5 submissions from 5 submitters: Uncertain significance (1); Likely benign (4). Last evaluated 2026-03-02.

Conditions:
Hereditary nonpolyposis colorectal neoplasms. Identifiers: MedGen C0009405, MeSH D003123.
Lynch syndrome 5 (LYNCH5). Also called: Colorectal cancer, hereditary nonpolyposis, type 5; Hereditary non-polyposis colorectal cancer, type 5. Identifiers: Orphanet 144, MedGen C1833477, MONDO:0013710, OMIM 614350. Disease mechanism: loss of function.
Familial cancer of breast. Also called: BREAST CANCER, FAMILIAL; hereditary breast carcinoma; Hereditary breast cancer. Identifiers: Orphanet 227535, MedGen C0346153, MONDO:0016419, OMIM 114480. Disease mechanism: loss of function.
Inherited MMR deficiency (Lynch syndrome).
Hereditary cancer-predisposing syndrome. Also called: Tumor predisposition; Hereditary neoplastic syndrome; Hereditary Cancer Syndrome; Neoplastic Syndromes, Hereditary. Identifiers: Orphanet 140162, MedGen C0027672, MeSH D009386, MONDO:0015356.

Submissions (5):

Ambry Genetics
Classification: Likely benign for Hereditary cancer-predisposing syndrome. Last evaluated: 2026-03-02. Review status: criteria provided, single submitter. Criteria: Ambry Variant Classification Scheme 2023. Collection method: clinical testing. Allele origin: germline.

Labcorp Genetics (formerly Invitae), Labcorp
Classification: Likely benign for Hereditary nonpolyposis colorectal neoplasms. Last evaluated: 2026-01-11. Review status: criteria provided, single submitter. Criteria: Invitae Variant Classification Sherloc (09022015). Collection method: clinical testing. Allele origin: germline.

Genomics and Molecular Medicine Service, East Genomic Laboratory Hub, NHS Genomic Medicine Service
Classification: Likely benign for Inherited MMR deficiency (Lynch syndrome). Last evaluated: 2024-07-10. Review status: criteria provided, single submitter. Criteria: ACGS Best Practice Guidelines for Variant Classification in Rare Disease 2020. Collection method: clinical testing. Allele origin: germline. Affected: yes.
Comment: BS1_Strong,BP4

Department of Pathology and Laboratory Medicine, Sinai Health System
Classification: Uncertain significance for hereditary breast carcinoma. Last evaluated: 2024-03-05. Review status: criteria provided, single submitter. Criteria: ACMG Guidelines, 2015. Collection method: clinical testing. Allele origin: germline. Affected: yes.

Mendelics
Classification: Likely benign for Lynch syndrome 5. Last evaluated: 2019-05-28. Review status: criteria provided, single submitter. Criteria: Mendelics Assertion Criteria 2017. Collection method: clinical testing. Allele origin: unknown.

NM_000179.3(MSH6):c.3557-2del

Gene: MSH6 (mutS homolog 6; plus strand). Cytogenetic location: 2p16.3.
Variant type: Deletion.
Coding change: c.3557-2del on transcript NM_000179.3 (MANE Select); the canonical splice acceptor site of the intron before coding-DNA position 3557, one base deleted (A; older notation c.3557-2delA).
Molecular consequence: splice acceptor variant.
Genome position (GRCh38, 1-based): chr2:47,805,616, A deleted; the last of 2 consecutive A bases (chr2:47,805,615-47,805,616); deleting either gives the same sequence. VCF-style (leftmost placement, unchanged base first): chr2-47805614-TA-T. GRCh37 (hg19) VCF-style: chr2-48032753-TA-T.
Other names: c.3557-2del (NM_001406809.1, NM_001406796.1, NM_001406808.1 and 1 more transcripts); c.2651-2del (NM_001406811.1, NM_001406814.1, NM_001281493.2 and 6 more transcripts); c.3260-2del (NM_001406805.1, NM_001406797.1, NM_001406801.1 and 10 more transcripts); c.3653-2del (NM_001406795.1, NM_001406802.1); c.3563-2del (NM_001406813.1); c.3032-2del (NM_001406807.1, NM_001406799.1, NM_001406806.1); c.3383-2del (NM_001406798.1); c.2693-2del (NM_001406803.1); and 8 more.
Identifiers: ClinVar variation 220315 (VCV000220315.11), dbSNP rs587779271, ClinGen allele CA071357.